The following is an entry in ClinVar:

NM_024529.5(CDC73):c.847A>C (p.Lys283Gln)

Gene: CDC73 (cell division cycle 73; plus strand). Cytogenetic location: 1q31.2.
Variant type: single nucleotide variant.
Coding change: c.847A>C on transcript NM_024529.5 (MANE Select); coding-DNA position 847, A replaced by C.
Protein change: p.Lys283Gln; replaces lysine 283 with glutamine.
Molecular consequence: missense variant.
Genome position (GRCh38, 1-based): chr1:193,150,322, A>C. VCF-style: chr1-193150322-A-C. GRCh37 (hg19) VCF-style: chr1-193119452-A-C.
Other names: short protein forms K283Q.
Identifiers: ClinVar variation 2450583 (VCV002450583.2), dbSNP rs1572160304, ClinGen allele CA343964936.

ClinVar aggregate classification (germline): Uncertain significance (1 of 4 stars; one submission).

Conditions:
Hereditary cancer-predisposing syndrome. Also called: Neoplastic Syndromes, Hereditary; Tumor predisposition; Hereditary neoplastic syndrome; Hereditary Cancer Syndrome. Identifiers: Orphanet 140162, MedGen C0027672, MeSH D009386, MONDO:0015356.

Submission:

Ambry Genetics
Classification: Uncertain significance for Hereditary cancer-predisposing syndrome. Last evaluated: 2023-01-18. Review status: criteria provided, single submitter. Criteria: Ambry Variant Classification Scheme 2023. Collection method: clinical testing. Allele origin: germline.
Comment: The p.K283Q variant (also known as c.847A>C), located in coding exon 9 of the CDC73 gene, results from an A to C substitution at nucleotide position 847. The lysine at codon 283 is replaced by glutamine, an amino acid with similar properties. This amino acid position is conserved. In addition, this alteration is predicted to be tolerated by in silico analysis. Since supporting evidence is limited at this time, the clinical significance of this alteration remains unclear.